The following is an entry in ClinVar:

ClinVar aggregate classification (germline): Uncertain significance (1 of 4 stars; one submission).

Conditions:
Hereditary cancer-predisposing syndrome. Also called: Neoplastic Syndromes, Hereditary; Tumor predisposition; Hereditary Cancer Syndrome; Hereditary neoplastic syndrome. Identifiers: Orphanet 140162, MedGen C0027672, MeSH D009386, MONDO:0015356.

Submission:

Ambry Genetics
Classification: Uncertain significance for Hereditary cancer-predisposing syndrome. Last evaluated: 2026-02-19. Review status: criteria provided, single submitter. Criteria: Ambry Variant Classification Scheme 2023. Collection method: clinical testing. Allele origin: germline.
Comment: The p.S2260R variant (also known as c.6780C>A), located in coding exon 15 of the APC gene, results from a C to A substitution at nucleotide position 6780. The serine at codon 2260 is replaced by arginine, an amino acid with dissimilar properties. This amino acid position is well conserved in available vertebrate species. In addition, in silico predictors for this gene do not accurately predict pathogenicity. Missense variants in APC are not a common cause of disease (Spier I et al. Genet Med. 2024 Feb;26(2):100992). Based on the available evidence, the clinical significance of this variant remains unclear.

NM_000038.6(APC):c.6780C>A (p.Ser2260Arg)

Gene: APC (APC regulator of Wnt signaling pathway; plus strand). Cytogenetic location: 5q22.2.
Variant type: single nucleotide variant.
Coding change: c.6780C>A on transcript NM_000038.6 (MANE Select); coding-DNA position 6780, C replaced by A.
Protein change: p.Ser2260Arg; replaces serine 2260 with arginine.
Molecular consequence: missense variant. On other transcripts: non-coding transcript variant (2).
Genome position (GRCh38, 1-based): chr5:112,842,374, C>A. VCF-style: chr5-112842374-C-A. GRCh37 (hg19) VCF-style: chr5-112178071-C-A.
Other names: c.6300C>A, p.Ser2100Arg (NM_001354905.2); c.5931C>A, p.Ser1977Arg (NM_001354906.2, NM_001407470.1); c.6864C>A, p.Ser2288Arg (NM_001407446.1); c.6834C>A, p.Ser2278Arg (NM_001407447.1, NM_001407448.1, NM_001407449.1 and 1 more transcripts); c.6780C>A, p.Ser2260Arg (NM_001407450.1, NM_001127510.3, NM_001354895.2); c.6759C>A, p.Ser2253Arg (NM_001407451.1); c.6750C>A, p.Ser2250Arg (NM_001407452.1); c.6603C>A, p.Ser2201Arg (NM_001407453.1, NM_001354901.2); and 11 more; short protein forms S2232R, S2250R, S1876R, S1977R, S2177R, S2201R, S2235R, S2242R.
Identifiers: ClinVar variation 4825051 (VCV004825051.1).